The following is an entry in ClinVar:

ClinVar aggregate classification (germline): Uncertain significance (1 of 4 stars; one submission).

gnomAD v4.1: 4 of 1,613,068 alleles (0.00025%); highest among the groups gnomAD compares: Non-Finnish European, 0.00034%; no homozygotes.

Submission:

Labcorp Genetics (formerly Invitae), Labcorp
Classification: Uncertain significance. Last evaluated: 2025-01-02. Review status: criteria provided, single submitter. Criteria: Invitae Variant Classification Sherloc (09022015). Collection method: clinical testing. Allele origin: germline.
Comment: This sequence change replaces tyrosine, which is neutral and polar, with asparagine, which is neutral and polar, at codon 575 of the LBR protein (p.Tyr575Asn). This variant is not present in population databases (gnomAD no frequency). This variant has not been reported in the literature in individuals affected with LBR-related conditions. Invitae Evidence Modeling of protein sequence and biophysical properties (such as structural, functional, and spatial information, amino acid conservation, physicochemical variation, residue mobility, and thermodynamic stability) indicates that this missense variant is expected to disrupt LBR protein function with a positive predictive value of 80%. In summary, the available evidence is currently insufficient to determine the role of this variant in disease. Therefore, it has been classified as a Variant of Uncertain Significance.

NM_002296.4(LBR):c.1723T>A (p.Tyr575Asn)

Gene: LBR (lamin B receptor; minus strand). Cytogenetic location: 1q42.12.
Variant type: single nucleotide variant.
Coding change: c.1723T>A on transcript NM_002296.4 (MANE Select); coding-DNA position 1723, T replaced by A.
Protein change: p.Tyr575Asn; replaces tyrosine 575 with asparagine.
Molecular consequence: missense variant.
Genome position (GRCh38, 1-based): chr1:225,403,428, A>T on the plus strand (T>A on the coding strand, the complement: LBR is on the minus strand). VCF-style: chr1-225403428-A-T. GRCh37 (hg19) VCF-style: chr1-225591130-A-T.
Other names: c.1723T>A, p.Tyr575Asn (NM_194442.3); short protein forms Y575N.
Identifiers: ClinVar variation 3689296 (VCV003689296.2).
Genomic context (GRCh38, chr1:225,403,428, plus strand): 5'-ATTTCTTCTTACAGTGGTACTCGTCACGAGCTTCTCGGTGGACAAGCAACATGGTGAAAT[A>T]AATTATGTAGAAATAAGGCAGAATGTGGTTAAAACCTGTGGATAATAATAGTACACAGTA-3'
Protein context (NP_002287.2, residues 565-585): NHILPYFYII[Tyr575Asn]FTMLLVHREA